The following is an entry in ClinVar:

ClinVar aggregate classification (germline): Uncertain significance (1 of 4 stars; one submission).

Allele frequency attached by ClinVar (database versions not stated): gnomAD exomes 0.00001.
gnomAD v4.1: 9 of 1,614,024 alleles (0.00056%); highest among the groups gnomAD compares: Non-Finnish European, 0.00076%; no homozygotes.

Submission:

Labcorp Genetics (formerly Invitae), Labcorp
Classification: Uncertain significance. Last evaluated: 2023-09-30. Review status: criteria provided, single submitter. Criteria: Invitae Variant Classification Sherloc (09022015). Collection method: clinical testing. Allele origin: germline.
Comment: In summary, the available evidence is currently insufficient to determine the role of this variant in disease. Therefore, it has been classified as a Variant of Uncertain Significance. An algorithm developed to predict the effect of missense changes on protein structure and function (PolyPhen-2) suggests that this variant is likely to be tolerated. This variant has not been reported in the literature in individuals affected with ADGRA3-related conditions. This variant is not present in population databases (gnomAD no frequency). This sequence change replaces leucine, which is neutral and non-polar, with valine, which is neutral and non-polar, at codon 1001 of the ADGRA3 protein (p.Leu1001Val).

NM_145290.4(ADGRA3):c.3001C>G (p.Leu1001Val)

Gene: ADGRA3 (adhesion G protein-coupled receptor A3; minus strand). Cytogenetic location: 4p15.2.
Variant type: single nucleotide variant.
Coding change: c.3001C>G on transcript NM_145290.4 (MANE Select); coding-DNA position 3001, C replaced by G.
Protein change: p.Leu1001Val; replaces leucine 1001 with valine.
Molecular consequence: missense variant.
Genome position (GRCh38, 1-based): chr4:22,388,670, G>C on the plus strand (C>G on the coding strand, the complement: ADGRA3 is on the minus strand). VCF-style: chr4-22388670-G-C. GRCh37 (hg19) VCF-style: chr4-22390293-G-C.
Other names: short protein forms L1001V.
Identifiers: ClinVar variation 2831180 (VCV002831180.3), dbSNP rs2474687576, ClinGen allele CA356474278.